The following is an entry in ClinVar:

NM_001321075.3(DLG4):c.1516-8C>A

Gene: DLG4 (discs large MAGUK scaffold protein 4; minus strand). Cytogenetic location: 17p13.1.
Variant type: single nucleotide variant.
Coding change: c.1516-8C>A on transcript NM_001321075.3 (MANE Select); 8 bases into the intron before coding-DNA position 1516, C replaced by A.
Molecular consequence: intron variant.
Genome position (GRCh38, 1-based): chr17:7,193,879, G>T on the plus strand (C>A on the coding strand, the complement: DLG4 is on the minus strand). VCF-style: chr17-7193879-G-T. GRCh37 (hg19) VCF-style: chr17-7097198-G-T.
Other names: c.1645-8C>A (NM_001365.5); c.1507-8C>A (NM_001128827.4); c.1435-8C>A (NM_001369566.3); c.1336-8C>A (NM_001321077.3, NM_001321076.3); c.1636-8C>A (NM_001321074.1).
Identifiers: ClinVar variation 4980612 (VCV004980612.1).
Genomic context (GRCh38, chr17:7,193,879, plus strand): 5'-ATCTTCCCGAACTAACCCTACCTACCCTGCGATCCAGAGCTGGAGCCCCAGTCCTAAGAA[G>T]AAAAAGCAGGCCACGGGGTTAGTTATGAGCTCAGCTCCATGAGCCCTCACACTTCCACCC-3'

ClinVar aggregate classification (germline): Likely benign (1 of 4 stars; one submission).

Conditions:
DLG4-related disorder. Also called: DLG4-related condition.

gnomAD v4.1: 333 of 1,612,376 alleles (0.021%); highest among the groups gnomAD compares: African/African-American, 0.38%; no homozygotes.

Submission:

PreventionGenetics, part of Exact Sciences
Classification: Likely benign for DLG4-related condition. Last evaluated: 2026-01-13. Review status: criteria provided, single submitter. Criteria: ACMG Guidelines, 2015. Collection method: clinical testing. Allele origin: germline.
Comment: This variant is classified as likely benign based on ACMG/AMP sequence variant interpretation guidelines (Richards et al. 2015 PMID: 25741868, with internal and published modifications).